The following is an entry in ClinVar:

ClinVar aggregate classification (germline): Conflicting classifications of pathogenicity. Review status: criteria provided, conflicting classifications (1 of 4 stars). 7 submissions from 7 submitters: Uncertain significance (2); Benign (1); Likely benign (4). Last evaluated 2026-01-26.

Conditions:
Spastic paraplegia. Identifiers: MedGen C0037772, HP:0001258.
Charlevoix-Saguenay spastic ataxia (SACS). Also called: SPASTIC ATAXIA 6, AUTOSOMAL RECESSIVE; AUTOSOMAL RECESSIVE SPASTIC ATAXIA OF CHARLEVOIX-SAGUENAY; Spastic ataxia of Charlevoix-Saguenay. Identifiers: Orphanet 98, MedGen C1849140, MONDO:0010041, OMIM 270550.

Allele frequency attached by ClinVar (database versions not stated): gnomAD exomes 0.00028 and 0.00022; ESP Exome Variant Server 0.00085; gnomAD 0.00090 and 0.00099; TOPMed 0.00116; 1000 Genomes Project 30x 0.00016; 1000 Genomes Project 0.00020.
gnomAD v4.1: 457 of 1,613,866 alleles (0.028%); highest among the groups gnomAD compares: African/African-American, 0.31%; no homozygotes.

Submissions (7):

Labcorp Genetics (formerly Invitae), Labcorp
Classification: Likely benign for Spastic paraplegia. Last evaluated: 2026-01-26. Review status: criteria provided, single submitter. Criteria: Invitae Variant Classification Sherloc (09022015). Collection method: clinical testing. Allele origin: germline.

CeGaT Center for Human Genetics Tuebingen
Classification: Likely benign. Last evaluated: 2025-02-01. Review status: criteria provided, single submitter. Criteria: CeGaT Center For Human Genetics Tuebingen Variant Classification Criteria Version 2. Collection method: clinical testing. Allele origin: germline. Affected: yes. Observed: 1 variant allele.
Comment: SACS: BP4, BP7

Blueprint Genetics
Classification: Likely benign. Last evaluated: 2024-11-26. Review status: criteria provided, single submitter. Criteria: ACMG Guidelines, 2015. Collection method: clinical testing. Allele origin: germline.

Athena Diagnostics
Classification: Benign. Last evaluated: 2024-04-24. Review status: criteria provided, single submitter. Criteria: Athena Diagnostics Criteria. Collection method: clinical testing. Allele origin: unknown.

Genome-Nilou Lab
Classification: Likely benign for Charlevoix-Saguenay spastic ataxia. Last evaluated: 2021-09-05. Review status: criteria provided, single submitter. Criteria: ACMG Guidelines, 2015. Collection method: clinical testing. Allele origin: germline. Affected: no.

Illumina Laboratory Services, Illumina
Classification: Uncertain significance for Charlevoix-Saguenay spastic ataxia. Last evaluated: 2018-01-12. Review status: criteria provided, single submitter. Criteria: ICSL Variant Classification Criteria 13 December 2019. Collection method: clinical testing. Allele origin: germline.

Eurofins Ntd Llc (ga)
Classification: Uncertain significance. Last evaluated: 2016-05-13. Review status: criteria provided, single submitter. Criteria: EGL Classification Definitions 2015. Collection method: clinical testing. Allele origin: germline. Observed: 1 variant allele, 1 heterozygote.

NM_014363.6(SACS):c.9852A>G (p.Thr3284=)

Gene: SACS (sacsin molecular chaperone; minus strand). Cytogenetic location: 13q12.12.
Variant type: single nucleotide variant.
Coding change: c.9852A>G on transcript NM_014363.6 (MANE Select); coding-DNA position 9852, A replaced by G.
Protein change: p.Thr3284=; no amino-acid change (threonine 3284 retained).
Molecular consequence: synonymous variant.
Genome position (GRCh38, 1-based): chr13:23,334,024, T>C on the plus strand (A>G on the coding strand, the complement: SACS is on the minus strand). VCF-style: chr13-23334024-T-C. GRCh37 (hg19) VCF-style: chr13-23908163-T-C.
Other names: c.9411A>G, p.Thr3137= (NM_001278055.2).
Identifiers: ClinVar variation 287302 (VCV000287302.38), dbSNP rs147506904, ClinGen allele CA6910551.